The following is an entry in ClinVar:

NM_001024630.4(RUNX2):c.506G>A (p.Arg169Gln)

Gene: RUNX2 (RUNX family transcription factor 2; plus strand). Cytogenetic location: 6p21.1.
Variant type: single nucleotide variant.
Coding change: c.506G>A on transcript NM_001024630.4 (MANE Select); coding-DNA position 506, G replaced by A.
Protein change: p.Arg169Gln; replaces arginine 169 with glutamine.
Molecular consequence: missense variant.
Genome position (GRCh38, 1-based): chr6:45,431,945, G>A. VCF-style: chr6-45431945-G-A. GRCh37 (hg19) VCF-style: chr6-45399682-G-A.
Other names: c.506G>A, p.Arg169Gln (NM_001015051.4); c.464G>A, p.Arg155Gln (NM_001278478.2, NM_001369405.1); short protein forms R155Q, R169Q.
Identifiers: ClinVar variation 1698843 (VCV001698843.7), dbSNP rs104893995, ClinGen allele CA3836413.

ClinVar aggregate classification (germline): Conflicting classifications of pathogenicity. Review status: criteria provided, conflicting classifications (1 of 4 stars). 5 submissions from 5 submitters: Pathogenic (1); Likely pathogenic (2); Uncertain significance (1). 1 of the submissions does not count toward it. Last evaluated 2025-05-29.

Conditions:
Cleidocranial dysostosis (CLCD1). Also called: cleidocranial dysplasia 1; Cleidocranial Dysplasia Spectrum Disorder; Marie-Sainton disease. Identifiers: Orphanet 1452, MedGen C0008928, MONDO:0007340, OMIM 119600.
Metaphyseal dysplasia-maxillary hypoplasia-brachydacty syndrome. Also called: Metaphyseal dysplasia with maxillary hypoplasia with or without brachydactyly; METAPHYSEAL DYSPLASIA AND MAXILLARY HYPOPLASIA WITH OR WITHOUT BRACHYDACTYLY; Metaphyseal dysplasia with maxillary hypoplasia and brachydactyly. Identifiers: Orphanet 2504, MedGen C3549874, MONDO:0007984, OMIM 156510.
RUNX2-related disorder. Also called: RUNX2-related condition.

Allele frequency attached by ClinVar (database versions not stated): gnomAD exomes below 0.00001; ExAC 0.00001.
gnomAD v4.1: 3 of 1,614,070 alleles (0.00019%); highest among the groups gnomAD compares: Admixed American, 0.0017%; no homozygotes.

Submissions (5):

GeneDx
Classification: Likely pathogenic. Last evaluated: 2025-05-29. Review status: criteria provided, single submitter. Criteria: GeneDx Variant Classification Process June 2021. Collection method: clinical testing. Allele origin: germline. Affected: yes.
Comment: Not observed at significant frequency in large population cohorts (gnomAD); In silico analysis supports that this missense variant has a deleterious effect on protein structure/function; This variant is associated with the following publications: (PMID: 10545612, 33987976, 39078184)

Labcorp Genetics (formerly Invitae), Labcorp
Classification: Uncertain significance. Last evaluated: 2024-12-27. Review status: criteria provided, single submitter. Criteria: Invitae Variant Classification Sherloc (09022015). Collection method: clinical testing. Allele origin: germline.
Comment: This sequence change replaces arginine, which is basic and polar, with glutamine, which is neutral and polar, at codon 169 of the RUNX2 protein (p.Arg169Gln). This variant is present in population databases (rs104893995, gnomAD 0.003%). This missense change has been observed in individual(s) with cleidocranial dysplasia (PMID: 10545612). ClinVar contains an entry for this variant (Variation ID: 1698843). Invitae Evidence Modeling of protein sequence and biophysical properties (such as structural, functional, and spatial information, amino acid conservation, physicochemical variation, residue mobility, and thermodynamic stability) indicates that this missense variant is expected to disrupt RUNX2 protein function with a positive predictive value of 80%. This variant disrupts the p.Arg169 amino acid residue in RUNX2. Other variant(s) that disrupt this residue have been determined to be pathogenic (PMID: 33987976; internal data). This suggests that this residue is clinically significant, and that variants that disrupt this residue are likely to be disease-causing. In summary, the available evidence is currently insufficient to determine the role of this variant in disease. Therefore, it has been classified as a Variant of Uncertain Significance.

Fulgent Genetics
Classification: Likely pathogenic for Cleidocranial dysostosis; Metaphyseal dysplasia-maxillary hypoplasia-brachydacty syndrome. Last evaluated: 2024-01-31. Review status: criteria provided, single submitter. Criteria: ACMG Guidelines, 2015. Collection method: clinical testing. Allele origin: germline.

Genetics and Molecular Pathology, SA Pathology
Classification: Pathogenic for Cleidocranial dysostosis. Last evaluated: 2020-09-18. Review status: criteria provided, single submitter. Criteria: ACMG Guidelines, 2015. Collection method: clinical testing. Allele origin: germline. Inheritance: Autosomal dominant inheritance. Affected: yes.
Comment: The RUNX2 c.506G>A missense variant is classified as LIKELY PATHOGENIC (PM1, PM2, PP3, PP4) The RUNX2 c.506G>A missense variant is a single nucleotide change in exon 4 of the RUNX2 gene, which is predicted to change the amino acid arginine at position 169 in the protein to glutamine. This variant has been reported in a patient with Cleidocranial dysplasia (PMID:10545612). This variant has been reported in dbSNP (rs104893995) but is rare in population databases (gnomAD allele frequency = 0.00040%, 1 het and 0 hom in 251440 sequenced alleles) (PM2). This variant has been reported in HGMD as damaging for Cleidocranial dysplasia (CM992608). It affects an ATP binding consensus motif and is located in the highly conserved runt domain, which is a mutational hot spot (PM1). A different variant affecting the same nucleotide and amino acid (c.506G>C, p.Arg169Pro) has also been identified in patients with Cleidocranial dysplasia. The clinical features of this case are highly specific for Cleidocranial dysplasia, the family history is consistent with the mode of inheritance of this condition and this patient has a well-defined syndrome with little overlap with other clinical presentations (PP4). Computational predictions support a deleterious effect on the gene or gene product (PP3).

PreventionGenetics, part of Exact Sciences
Classification: Likely pathogenic for RUNX2-related condition. Last evaluated: 2024-07-31. Review status: no assertion criteria provided. Collection method: clinical testing. Allele origin: germline. Not counted in ClinVar's aggregate classification.
Comment: The RUNX2 c.506G>A variant is predicted to result in the amino acid substitution p.Arg169Gln. This variant has been reported to be pathogenic for cleidocranial dysplasia (CCD) (Zhou et al. 1999. PubMedID: 10545612). In addition, two different variants affecting the same amino acid (p.Arg169Phe and Arg169Trp) have been reported in individuals with CCD (Otto et al. 2002. PubMed ID: 11857736; Berkay et al. 2021. PubMed ID: 33987976). At PreventionGenetics. This variant is reported in 0.0029% of alleles in individuals of Latino descent in gnomAD. This variant is interpreted as likely pathogenic.

Literature cited by the submitters: PubMed 10545612 (cited by Labcorp Genetics (formerly Invitae), Labcorp and Genetics and Molecular Pathology, SA Pathology); PubMed 33987976 (cited by Labcorp Genetics (formerly Invitae), Labcorp).